The following is an entry in ClinVar:

NM_002474.3(MYH11):c.2659G>A (p.Glu887Lys)

Gene: MYH11 (myosin heavy chain 11; minus strand). Cytogenetic location: 16p13.11.
Variant type: single nucleotide variant.
Coding change: c.2659G>A on transcript NM_002474.3 (MANE Select); coding-DNA position 2659, G replaced by A.
Protein change: p.Glu887Lys; replaces glutamic acid 887 with lysine.
Molecular consequence: missense variant.
Genome position (GRCh38, 1-based): chr16:15,741,663, C>T on the plus strand (G>A on the coding strand, the complement: MYH11 is on the minus strand). VCF-style: chr16-15741663-C-T. GRCh37 (hg19) VCF-style: chr16-15835520-C-T.
Other names: c.2680G>A, p.Glu894Lys (NM_001040113.2, NM_001040114.2); c.2659G>A, p.Glu887Lys (NM_022844.3); short protein forms E887K, E894K.
Identifiers: ClinVar variation 664989 (VCV000664989.21), dbSNP rs201387564, ClinGen allele CA7922186.
Genomic context (GRCh38, chr16:15,741,663, plus strand): 5'-CAGCCTCTGCATACAGCTCTGTCTCTGCCTGCAGCTGTTCCTGTAGCAGGTTCTTCTCCT[C>T]GGTCAGCTGCACGCAGGTGGTGGGGAGGAGGCGGGTGAGCCCCACGGGGCCAAGTCCTGT-3'
Protein context (NP_002465.1, residues 877-897): ELEQKHSQLT[Glu887Lys]EKNLLQEQLQ

ClinVar aggregate classification (germline): Uncertain significance. Review status: criteria provided, multiple submitters, no conflicts (2 of 4 stars). 8 submissions from 8 submitters: Uncertain significance (8). Last evaluated 2025-11-18.

Conditions:
MYH11-related disorder. Also called: MYH11-related condition.
Visceral myopathy 2. Identifiers: MedGen C5543466, MONDO:0859157, OMIM 619350.
Megacystis-microcolon-intestinal hypoperistalsis syndrome 2. Identifiers: MedGen C5543476, MONDO:0025708, OMIM 619351.
Aortic aneurysm, familial thoracic 4 (AAT4). Also called: AORTIC ANEURYSM/AORTIC DISSECTION AND PATENT DUCTUS ARTERIOSUS. Identifiers: MedGen C1851504, MONDO:0007568, OMIM 132900.
Familial thoracic aortic aneurysm and aortic dissection (TAAD). Also called: Thoracic aortic aneurysms and dissections. Identifiers: Orphanet 91387, MedGen C4707243, MONDO:0019625.

Allele frequency attached by ClinVar (database versions not stated): ExAC 0.00002; gnomAD exomes 0.00002; gnomAD 0.00003; TOPMed 0.00004.
gnomAD v4.1: 30 of 1,613,690 alleles (0.0019%); highest among the groups gnomAD compares: East Asian, 0.0022%; no homozygotes.

Submissions (8):

Labcorp Genetics (formerly Invitae), Labcorp
Classification: Uncertain significance for Aortic aneurysm, familial thoracic 4. Last evaluated: 2025-11-18. Review status: criteria provided, single submitter. Criteria: Invitae Variant Classification Sherloc (09022015). Collection method: clinical testing. Allele origin: germline.
Comment: This sequence change replaces glutamic acid, which is acidic and polar, with lysine, which is basic and polar, at codon 894 of the MYH11 protein (p.Glu894Lys). The frequency data for this variant in the population databases is considered unreliable, as metrics indicate poor data quality at this position in the gnomAD database. This variant has not been reported in the literature in individuals affected with MYH11-related conditions. ClinVar contains an entry for this variant (Variation ID: 664989). Invitae Evidence Modeling of protein sequence and biophysical properties (such as structural, functional, and spatial information, amino acid conservation, physicochemical variation, residue mobility, and thermodynamic stability) indicates that this missense variant is not expected to disrupt MYH11 protein function with a negative predictive value of 95%. In summary, the available evidence is currently insufficient to determine the role of this variant in disease. Therefore, it has been classified as a Variant of Uncertain Significance.

PreventionGenetics, part of Exact Sciences
Classification: Uncertain significance for MYH11-related condition. Last evaluated: 2025-05-08. Review status: criteria provided, single submitter. Criteria: ACMG Guidelines, 2015. Collection method: clinical testing. Allele origin: germline.
Comment: The MYH11 c.2680G>A variant is predicted to result in the amino acid substitution p.Glu894Lys. To our knowledge, this variant has not been reported in the literature. This variant is reported in 0.0050% of alleles in individuals of East Asian descent in gnomAD. At this time, the clinical significance of this variant is uncertain due to the absence of conclusive functional and genetic evidence.

All of Us Research Program, National Institutes of Health
Classification: Uncertain significance for Familial thoracic aortic aneurysm and aortic dissection. Last evaluated: 2024-07-29. Review status: criteria provided, single submitter. Criteria: ACMG Guidelines, 2015. Collection method: clinical testing. Allele origin: germline. Inheritance: Autosomal dominant inheritance. Observed: 11 variant alleles, 11 heterozygotes.
Comment: This missense variant replaces glutamic acid with lysine at codon 894 of the MYH11 protein. Computational prediction tool suggests that this variant may not impact protein structure and function (internally defined REVEL score threshold <=0.5, PMID: 27666373). Splice site prediction tools suggest that this variant may not impact RNA splicing. To our knowledge, functional studies have not been performed for this variant. This variant has not been reported in individuals affected with cardiovascular disorders in the literature. This variant has not been identified in the general population by the Genome Aggregation Database (gnomAD). The available evidence is insufficient to determine the role of this variant in disease conclusively. Therefore, this variant is classified as a Variant of Uncertain Significance.

This study involves interpretation of variants in research participants for the purpose of population health screening. Participant phenotype was not available at the time of variant classification. Additional details can be found in publication PMID: 35346344, PMCID: PMC8962531

Ambry Genetics
Classification: Uncertain significance for Familial thoracic aortic aneurysm and aortic dissection. Last evaluated: 2024-04-19. Review status: criteria provided, single submitter. Criteria: Ambry Variant Classification Scheme 2023. Collection method: clinical testing. Allele origin: germline.
Comment: The p.E887K variant (also known as c.2659G>A), located in coding exon 21 of the MYH11 gene, results from a G to A substitution at nucleotide position 2659. The glutamic acid at codon 887 is replaced by lysine, an amino acid with similar properties. This amino acid position is well conserved in available vertebrate species. In addition, this alteration is predicted to be tolerated by in silico analysis. Based on the available evidence, the clinical significance of this variant remains unclear.

Color Diagnostics, LLC DBA Color Health
Classification: Uncertain significance for Familial thoracic aortic aneurysm and aortic dissection. Last evaluated: 2024-03-07. Review status: criteria provided, single submitter. Criteria: ACMG Guidelines, 2015. Collection method: clinical testing. Allele origin: germline.
Comment: This missense variant replaces glutamic acid with lysine at codon 894 of the MYH11 protein. Computational prediction indicates that this variant may have a neutral impact on protein structure and function. To our knowledge, functional studies have not been reported for this variant. This variant has not been reported in individuals affected with MYH11-related disorders in the literature. This variant has been identified in 4/251186 chromosomes in the general population by the Genome Aggregation Database (gnomAD). The available evidence is insufficient to determine the role of this variant in disease conclusively. Therefore, this variant is classified as a Variant of Uncertain Significance.

GeneDx
Classification: Uncertain significance. Last evaluated: 2023-09-01. Review status: criteria provided, single submitter. Criteria: GeneDx Variant Classification Process June 2021. Collection method: clinical testing. Allele origin: germline. Affected: yes.
Comment: Has not been previously published as pathogenic or benign to our knowledge; Not observed at significant frequency in large population cohorts (gnomAD); In silico analysis supports that this missense variant has a deleterious effect on protein structure/function

Fulgent Genetics
Classification: Uncertain significance for Aortic aneurysm, familial thoracic 4; Visceral myopathy 2; Megacystis-microcolon-intestinal hypoperistalsis syndrome 2. Last evaluated: 2021-10-30. Review status: criteria provided, single submitter. Criteria: ACMG Guidelines, 2015. Collection method: clinical testing. Allele origin: unknown.

Women's Health and Genetics/Laboratory Corporation of America, LabCorp
Classification: Uncertain significance. Last evaluated: 2021-01-21. Review status: criteria provided, single submitter. Criteria: LabCorp Variant Classification Summary - May 2015. Collection method: clinical testing. Allele origin: germline.
Comment: Variant summary: MYH11 c.2680G>A (p.Glu894Lys) results in a conservative amino acid change located in the Myosin tail domain of the encoded protein sequence. Four of five in-silico tools predict a benign effect of the variant on protein function. The variant allele was found at a frequency of 1.6e-05 in 251186 control chromosomes (gnomAD). The available data on variant occurrences in the general population are insufficient to allow any conclusion about variant significance. To our knowledge, no occurrence of c.2680G>A in individuals affected with Aortopathy and no experimental evidence demonstrating its impact on protein function have been reported. Two ClinVar submitters (evaluation after 2014) cite the variant as uncertain significance. Based on the evidence outlined above, the variant was classified as uncertain significance.